The following is an entry in ClinVar:

ClinVar aggregate classification (germline): Uncertain significance (1 of 4 stars; one submission).

Conditions:
Gastrointestinal stromal tumor. Also called: Gastrointestinal stroma tumor; Gastrointestinal stromal tumor, somatic. Identifiers: Orphanet 44890, MedGen C0238198, MeSH D046152, MONDO:0011719, OMIM 606764, HP:0100723.

Allele frequency attached by ClinVar (database versions not stated): gnomAD exomes below 0.00001; ExAC 0.00001.

Submission:

Labcorp Genetics (formerly Invitae), Labcorp
Classification: Uncertain significance for Gastrointestinal stromal tumor. Last evaluated: 2020-10-30. Review status: criteria provided, single submitter. Criteria: Invitae Variant Classification Sherloc (09022015). Collection method: clinical testing. Allele origin: germline.
Comment: This sequence change replaces alanine with valine at codon 210 of the PDGFRA protein (p.Ala210Val). The alanine residue is moderately conserved and there is a small physicochemical difference between alanine and valine. This variant is present in population databases (rs761446758, ExAC 0.001%). This variant has not been reported in the literature in individuals with PDGFRA-related conditions. Algorithms developed to predict the effect of missense changes on protein structure and function are either unavailable or do not agree on the potential impact of this missense change (SIFT: "Tolerated"; PolyPhen-2: "Possibly Damaging"; Align-GVGD: "Class C0"). In summary, the available evidence is currently insufficient to determine the role of this variant in disease. Therefore, it has been classified as a Variant of Uncertain Significance.

NM_006206.6(PDGFRA):c.629C>T (p.Ala210Val)

Gene: PDGFRA (platelet derived growth factor receptor alpha; plus strand). Cytogenetic location: 4q12.
Variant type: single nucleotide variant.
Coding change: c.629C>T on transcript NM_006206.6 (MANE Select); coding-DNA position 629, C replaced by T.
Protein change: p.Ala210Val; replaces alanine 210 with valine.
Molecular consequence: missense variant.
Genome position (GRCh38, 1-based): chr4:54,264,919, C>T. VCF-style: chr4-54264919-C-T. GRCh37 (hg19) VCF-style: chr4-55131086-C-T.
Other names: c.629C>T, p.Ala210Val (NM_001347827.2, NM_001347829.2); c.704C>T, p.Ala235Val (NM_001347828.2); c.668C>T, p.Ala223Val (NM_001347830.2); short protein forms A223V, A235V, A210V.
Identifiers: ClinVar variation 1385491 (VCV001385491.8), dbSNP rs761446758, ClinGen allele CA2922347.